The following is an entry in ClinVar:

ClinVar aggregate classification (germline): Benign (1 of 4 stars; one submission).

Allele frequency attached by ClinVar (database versions not stated): gnomAD 0.97805 and 0.97899; TOPMed 0.97875; 1000 Genomes Project 30x 0.99016; 1000 Genomes Project 0.99081.
gnomAD v4.1: 148,828 of 152,024 alleles (98%); highest among the groups gnomAD compares: East Asian, 100%; 72,860 homozygotes.

Submission:

GeneDx
Classification: Benign. Last evaluated: 2018-06-19. Review status: criteria provided, single submitter. Criteria: GeneDx Variant Classification (06012015). Collection method: clinical testing. Allele origin: germline. Affected: yes.
Comment: This variant is considered likely benign or benign based on one or more of the following criteria: it is a conservative change, it occurs at a poorly conserved position in the protein, it is predicted to be benign by multiple in silico algorithms, and/or has population frequency not consistent with disease.

NM_001378969.1(KCND3):c.1462-208A>G

Gene: KCND3 (potassium voltage-gated channel subfamily D member 3; minus strand). Cytogenetic location: 1p13.2.
Variant type: single nucleotide variant.
Coding change: c.1462-208A>G on transcript NM_001378969.1 (MANE Select); 208 bases into the intron before coding-DNA position 1462, A replaced by G.
Molecular consequence: intron variant.
Genome position (GRCh38, 1-based): chr1:111,778,700, T>C on the plus strand (A>G on the coding strand, the complement: KCND3 is on the minus strand). VCF-style: chr1-111778700-T-C. GRCh37 (hg19) VCF-style: chr1-112321322-T-C.
Other names: c.1462-1427A>G (NM_001378970.1, NM_172198.3); c.1462-208A>G (NM_004980.5).
Identifiers: ClinVar variation 682043 (VCV000682043.1), dbSNP rs2813867, ClinGen allele CA15131714.